The following is an entry in ClinVar:

NM_015450.3(POT1):c.1423C>A (p.Pro475Thr)

Gene: POT1 (protection of telomeres 1; minus strand). Cytogenetic location: 7q31.33.
Variant type: single nucleotide variant.
Coding change: c.1423C>A on transcript NM_015450.3 (MANE Select); coding-DNA position 1423, C replaced by A.
Protein change: p.Pro475Thr; replaces proline 475 with threonine.
Molecular consequence: missense variant. On other transcripts: non-coding transcript variant (3).
Genome position (GRCh38, 1-based): chr7:124,835,361, G>T on the plus strand (C>A on the coding strand, the complement: POT1 is on the minus strand). VCF-style: chr7-124835361-G-T. GRCh37 (hg19) VCF-style: chr7-124475415-G-T.
Other names: c.1030C>A, p.Pro344Thr (NM_001042594.2); short protein forms P344T, P475T.
Identifiers: ClinVar variation 3423103 (VCV003423103.2).

ClinVar aggregate classification (germline): Uncertain significance. Review status: criteria provided, multiple submitters, no conflicts (2 of 4 stars). 2 submissions from 2 submitters: Uncertain significance (2). Last evaluated 2025-11-11.

Conditions:
Tumor predisposition syndrome 3 (TPDS3). Also called: Melanoma, cutaneous malignant, susceptibility to, 10; Glioma susceptibility 9; LONG TELOMERE SYNDROME, POT1-RELATED; POT1 Tumor Predisposition. Identifiers: Orphanet 618, MedGen C4014476, MONDO:0014368, OMIM 615848.
Hereditary cancer-predisposing syndrome. Also called: Tumor predisposition; Hereditary Cancer Syndrome; Hereditary neoplastic syndrome; Neoplastic Syndromes, Hereditary. Identifiers: Orphanet 140162, MedGen C0027672, MeSH D009386, MONDO:0015356.

gnomAD v4.1: 1 of 1,614,004 alleles (0.000062%); highest among the groups gnomAD compares: Non-Finnish European, 0.000085%; no homozygotes.

Submissions (2):

Labcorp Genetics (formerly Invitae), Labcorp
Classification: Uncertain significance for Tumor predisposition syndrome 3. Last evaluated: 2025-11-11. Review status: criteria provided, single submitter. Criteria: Invitae Variant Classification Sherloc (09022015). Collection method: clinical testing. Allele origin: germline.
Comment: This sequence change replaces proline, which is neutral and non-polar, with threonine, which is neutral and polar, at codon 475 of the POT1 protein (p.Pro475Thr). This variant is present in population databases (rs201894707, gnomAD 0.0009%). This variant has not been reported in the literature in individuals affected with POT1-related conditions. ClinVar contains an entry for this variant (Variation ID: 3423103). Invitae Evidence Modeling of protein sequence and biophysical properties (such as structural, functional, and spatial information, amino acid conservation, physicochemical variation, residue mobility, and thermodynamic stability) indicates that this missense variant is not expected to disrupt POT1 protein function with a negative predictive value of 80%. In summary, the available evidence is currently insufficient to determine the role of this variant in disease. Therefore, it has been classified as a Variant of Uncertain Significance.

Ambry Genetics
Classification: Uncertain significance for Hereditary cancer-predisposing syndrome. Last evaluated: 2024-07-31. Review status: criteria provided, single submitter. Criteria: Ambry Variant Classification Scheme 2023. Collection method: clinical testing. Allele origin: germline.
Comment: The p.P475T variant (also known as c.1423C>A), located in coding exon 11 of the POT1 gene, results from a C to A substitution at nucleotide position 1423. The proline at codon 475 is replaced by threonine, an amino acid with highly similar properties. This amino acid position is highly conserved in available vertebrate species. In addition, this alteration is predicted to be deleterious by in silico analysis. Based on the available evidence, the clinical significance of this variant remains unclear.